The following is an entry in ClinVar:

NM_198576.4(AGRN):c.750C>G (p.Asn250Lys)

Gene: AGRN (agrin; plus strand). Cytogenetic location: 1p36.33.
Variant type: single nucleotide variant.
Coding change: c.750C>G on transcript NM_198576.4 (MANE Select); coding-DNA position 750, C replaced by G.
Protein change: p.Asn250Lys; replaces asparagine 250 with lysine.
Molecular consequence: missense variant.
Genome position (GRCh38, 1-based): chr1:1,041,195, C>G. VCF-style: chr1-1041195-C-G. GRCh37 (hg19) VCF-style: chr1-976575-C-G.
Other names: c.750C>G, p.Asn250Lys (NM_001305275.2); c.435C>G, p.Asn145Lys (NM_001364727.2); short protein forms N145K, N250K.
Identifiers: ClinVar variation 1021735 (VCV001021735.8), dbSNP rs1644924796, ClinGen allele CA337823602.

ClinVar aggregate classification (germline): Uncertain significance (1 of 4 stars; one submission).

Conditions:
Congenital myasthenic syndrome 8. Also called: MYASTHENIC SYNDROME, CONGENITAL, DUE TO AGRIN DEFICIENCY; Myasthenic syndrome, congenital, 8, with pre- and postsynaptic defects. Identifiers: Orphanet 590, MedGen C3808739, MONDO:0014052, OMIM 615120.

Submission:

Labcorp Genetics (formerly Invitae), Labcorp
Classification: Uncertain significance for Congenital myasthenic syndrome 8. Last evaluated: 2022-05-18. Review status: criteria provided, single submitter. Criteria: Invitae Variant Classification Sherloc (09022015). Collection method: clinical testing. Allele origin: germline.
Comment: Algorithms developed to predict the effect of sequence changes on RNA splicing suggest that this variant may create or strengthen a splice site. In summary, the available evidence is currently insufficient to determine the role of this variant in disease. Therefore, it has been classified as a Variant of Uncertain Significance. Algorithms developed to predict the effect of missense changes on protein structure and function are either unavailable or do not agree on the potential impact of this missense change (SIFT: "Tolerated"; PolyPhen-2: "Possibly Damaging"; Align-GVGD: "Class C0"). ClinVar contains an entry for this variant (Variation ID: 1021735). This variant has not been reported in the literature in individuals affected with AGRN-related conditions. This variant is not present in population databases (gnomAD no frequency). This sequence change replaces asparagine, which is neutral and polar, with lysine, which is basic and polar, at codon 250 of the AGRN protein (p.Asn250Lys).